The following is an entry in ClinVar:

NM_005591.4(MRE11):c.2066G>A (p.Ser689Asn)

Gene: MRE11 (MRE11 double strand break repair nuclease; minus strand). Cytogenetic location: 11q21.
Variant type: single nucleotide variant.
Coding change: c.2066G>A on transcript NM_005591.4 (MANE Select); coding-DNA position 2066, G replaced by A.
Protein change: p.Ser689Asn; replaces serine 689 with asparagine.
Molecular consequence: missense variant.
Genome position (GRCh38, 1-based): chr11:94,429,915, C>T on the plus strand (G>A on the coding strand, the complement: MRE11 is on the minus strand). VCF-style: chr11-94429915-C-T. GRCh37 (hg19) VCF-style: chr11-94163081-C-T.
Other names: c.2063G>A, p.Ser688Asn (NM_001330347.2); c.1982G>A, p.Ser661Asn (NM_005590.4); c.2066G>A (NM_005591.3); short protein forms S688N, S661N, S689N.
Identifiers: ClinVar variation 1045798 (VCV001045798.7), dbSNP rs1238082340, ClinGen allele CA382373437.

ClinVar aggregate classification (germline): Uncertain significance. Review status: criteria provided, multiple submitters, no conflicts (2 of 4 stars). 2 submissions from 2 submitters: Uncertain significance (2). Last evaluated 2024-07-30.

Conditions:
Hereditary cancer-predisposing syndrome. Also called: Hereditary Cancer Syndrome; Tumor predisposition; Hereditary neoplastic syndrome; Neoplastic Syndromes, Hereditary. Identifiers: Orphanet 140162, MedGen C0027672, MeSH D009386, MONDO:0015356.
Ataxia-telangiectasia-like disorder (ATLD). Identifiers: MedGen C1858391, MONDO:0011457.

gnomAD v4.1: 13 of 1,612,506 alleles (0.00081%); highest among the groups gnomAD compares: Non-Finnish European, 0.001%; no homozygotes.

Submissions (2):

Ambry Genetics
Classification: Uncertain significance for Hereditary cancer-predisposing syndrome. Last evaluated: 2024-07-30. Review status: criteria provided, single submitter. Criteria: Ambry Variant Classification Scheme 2023. Collection method: clinical testing. Allele origin: germline.
Comment: The p.S689N variant (also known as c.2066G>A), located in coding exon 18 of the MRE11A gene, results from a G to A substitution at nucleotide position 2066. The serine at codon 689 is replaced by asparagine, an amino acid with highly similar properties. This amino acid position is conserved. In addition, this alteration is predicted to be tolerated by in silico analysis. Based on the available evidence, the clinical significance of this variant remains unclear.

Labcorp Genetics (formerly Invitae), Labcorp
Classification: Uncertain significance for Ataxia-telangiectasia-like disorder. Last evaluated: 2021-08-27. Review status: criteria provided, single submitter. Criteria: Invitae Variant Classification Sherloc (09022015). Collection method: clinical testing. Allele origin: germline.
Comment: This sequence change replaces serine with asparagine at codon 689 of the MRE11 protein (p.Ser689Asn). The serine residue is weakly conserved and there is a small physicochemical difference between serine and asparagine. This variant is not present in population databases (ExAC no frequency). This variant has not been reported in the literature in individuals affected with MRE11-related conditions. Algorithms developed to predict the effect of missense changes on protein structure and function (SIFT, PolyPhen-2, Align-GVGD) all suggest that this variant is likely to be tolerated. In summary, the available evidence is currently insufficient to determine the role of this variant in disease. Therefore, it has been classified as a Variant of Uncertain Significance.